The following is an entry in ClinVar:

NM_001851.6(COL9A1):c.1204A>C (p.Ile402Leu)

Gene: COL9A1 (collagen type IX alpha 1 chain; minus strand). Cytogenetic location: 6q13.
Variant type: single nucleotide variant.
Coding change: c.1204A>C on transcript NM_001851.6 (MANE Select); coding-DNA position 1204, A replaced by C.
Protein change: p.Ile402Leu; replaces isoleucine 402 with leucine.
Molecular consequence: missense variant. On other transcripts: non-coding transcript variant (1).
Genome position (GRCh38, 1-based): chr6:70,269,659, T>G on the plus strand (A>C on the coding strand, the complement: COL9A1 is on the minus strand). VCF-style: chr6-70269659-T-G. GRCh37 (hg19) VCF-style: chr6-70979362-T-G.
Other names: c.475A>C, p.Ile159Leu (NM_001377289.1, NM_001377290.1, NM_078485.4); short protein forms I159L, I402L.
Identifiers: ClinVar variation 1359195 (VCV001359195.5), dbSNP rs2127589256, ClinGen allele CA364681024.
Genomic context (GRCh38, chr6:70,269,659, plus strand): 5'-AAAACTATATTTTGTTCAAAGGAAAGCATCTTACCAATGGATCTCCATCATGAAAGCCAA[T>G]TGTTCCCTAAAGTAAACAAAATATTAAGGTTCAGAATACAATTAAATAATGAATTCAAAC-3'
Protein context (NP_001842.3, residues 392-412): PPGPPGPRGT[Ile402Leu]GFHDGDPLCP

ClinVar aggregate classification (germline): Uncertain significance (1 of 4 stars; one submission).

Allele frequency attached by ClinVar (database versions not stated): gnomAD exomes below 0.00001.
gnomAD v4.1: 2 of 1,590,482 alleles (0.00013%); highest among the groups gnomAD compares: Non-Finnish European, 0.00017%; no homozygotes.

Submission:

Labcorp Genetics (formerly Invitae), Labcorp
Classification: Uncertain significance. Last evaluated: 2022-07-06. Review status: criteria provided, single submitter. Criteria: Invitae Variant Classification Sherloc (09022015). Collection method: clinical testing. Allele origin: germline.
Comment: This sequence change replaces isoleucine, which is neutral and non-polar, with leucine, which is neutral and non-polar, at codon 402 of the COL9A1 protein (p.Ile402Leu). This variant is not present in population databases (gnomAD no frequency). This variant has not been reported in the literature in individuals affected with COL9A1-related conditions. ClinVar contains an entry for this variant (Variation ID: 1359195). Advanced modeling of protein sequence and biophysical properties (such as structural, functional, and spatial information, amino acid conservation, physicochemical variation, residue mobility, and thermodynamic stability) performed at Invitae indicates that this missense variant is not expected to disrupt COL9A1 protein function. In summary, the available evidence is currently insufficient to determine the role of this variant in disease. Therefore, it has been classified as a Variant of Uncertain Significance.